The following is an entry in ClinVar:

ClinVar aggregate classification (germline): Benign/Likely benign. Review status: criteria provided, multiple submitters, no conflicts (2 of 4 stars). 3 submissions from 3 submitters: Benign (1); Likely benign (2). Last evaluated 2026-03-30.

Conditions:
LSR-related condition.

gnomAD v4.1: 502 of 1,580,600 alleles (0.032%); highest among the groups gnomAD compares: African/African-American, 0.63%; 3 homozygotes.

Submissions (3):

PreventionGenetics, part of Exact Sciences
Classification: Likely benign for LSR-related condition. Last evaluated: 2026-03-30. Review status: criteria provided, single submitter. Criteria: ACMG Guidelines, 2015. Collection method: clinical testing. Allele origin: germline.
Comment: This variant is classified as likely benign based on ACMG/AMP sequence variant interpretation guidelines (Richards et al. 2015 PMID: 25741868, with internal and published modifications).

Labcorp Genetics (formerly Invitae), Labcorp
Classification: Benign. Last evaluated: 2026-01-12. Review status: criteria provided, single submitter. Criteria: Invitae Variant Classification Sherloc (09022015). Collection method: clinical testing. Allele origin: germline.

CeGaT Center for Human Genetics Tuebingen
Classification: Likely benign. Last evaluated: 2025-03-01. Review status: criteria provided, single submitter. Criteria: CeGaT Center For Human Genetics Tuebingen Variant Classification Criteria Version 2. Collection method: clinical testing. Allele origin: germline. Affected: yes. Observed: 1 variant allele.
Comment: LSR: BP4, BP7

NM_205834.4(LSR):c.34C>T (p.Leu12=)

Gene: LSR (lipolysis stimulated lipoprotein receptor; plus strand). Cytogenetic location: 19q13.12.
Variant type: single nucleotide variant.
Coding change: c.34C>T on transcript NM_205834.4 (MANE Select); coding-DNA position 34, C replaced by T.
Protein change: p.Leu12=; no amino-acid change (leucine 12 retained).
Molecular consequence: synonymous variant.
Genome position (GRCh38, 1-based): chr19:35,249,056, C>T. VCF-style: chr19-35249056-C-T. GRCh37 (hg19) VCF-style: chr19-35739959-C-T.
Other names: c.34C>T, p.Leu12= (NM_001260489.2, NM_001260490.2, NM_001385215.1 and 2 more transcripts); c.178C>T (NM_205834.3).
Identifiers: ClinVar variation 3667888 (VCV003667888.10).